The following is an entry in ClinVar:

ClinVar aggregate classification (germline): Uncertain significance (1 of 4 stars; one submission).

Allele frequency attached by ClinVar (database versions not stated): gnomAD exomes below 0.00001; ExAC 0.00001.
gnomAD v4.1: 1 of 1,606,356 alleles (0.000062%); highest among the groups gnomAD compares: South Asian, 0.0011%; no homozygotes.

Submission:

Labcorp Genetics (formerly Invitae), Labcorp
Classification: Uncertain significance. Last evaluated: 2023-05-05. Review status: criteria provided, single submitter. Criteria: Invitae Variant Classification Sherloc (09022015). Collection method: clinical testing. Allele origin: germline.
Comment: This variant is present in population databases (rs782227157, gnomAD 0.003%). This sequence change replaces valine, which is neutral and non-polar, with alanine, which is neutral and non-polar, at codon 819 of the PACS2 protein (p.Val819Ala). This variant has not been reported in the literature in individuals affected with PACS2-related conditions. In summary, the available evidence is currently insufficient to determine the role of this variant in disease. Therefore, it has been classified as a Variant of Uncertain Significance. Advanced modeling of protein sequence and biophysical properties (such as structural, functional, and spatial information, amino acid conservation, physicochemical variation, residue mobility, and thermodynamic stability) has been performed at Invitae for this missense variant, however the output from this modeling did not meet the statistical confidence thresholds required to predict the impact of this variant on PACS2 protein function.

NM_001100913.3(PACS2):c.2456T>C (p.Val819Ala)

Gene: PACS2 (phosphofurin acidic cluster sorting protein 2; plus strand). Cytogenetic location: 14q32.33.
Variant type: single nucleotide variant.
Coding change: c.2456T>C on transcript NM_001100913.3 (MANE Select); coding-DNA position 2456, T replaced by C.
Protein change: p.Val819Ala; replaces valine 819 with alanine.
Molecular consequence: missense variant.
Genome position (GRCh38, 1-based): chr14:105,392,819, T>C. VCF-style: chr14-105392819-T-C. GRCh37 (hg19) VCF-style: chr14-105859156-T-C.
Other names: c.2186T>C, p.Val729Ala (NM_001243127.3); c.2411T>C, p.Val804Ala (NM_015197.4); short protein forms V804A, V729A, V819A.
Identifiers: ClinVar variation 2854530 (VCV002854530.3), dbSNP rs782227157, ClinGen allele CA7389275.